The following is an entry in ClinVar:

NM_001206927.2(DNAH8):c.8940+7A>C

Gene: DNAH8 (dynein axonemal heavy chain 8; plus strand). Cytogenetic location: 6p21.2.
Variant type: single nucleotide variant.
Coding change: c.8940+7A>C on transcript NM_001206927.2 (MANE Select); 7 bases into the intron after coding-DNA position 8940, A replaced by C.
Molecular consequence: intron variant.
Genome position (GRCh38, 1-based): chr6:38,896,232, A>C. VCF-style: chr6-38896232-A-C. GRCh37 (hg19) VCF-style: chr6-38864008-A-C.
Other names: c.8289+7A>C (NM_001371.4).
Identifiers: ClinVar variation 3706152 (VCV003706152.2).
Genomic context (GRCh38, chr6:38,896,232, plus strand): 5'-ACTGGTGATGAACCTGAAGACTCTGTGTTTGAAGTACCCAAAATATATGAATTGGTATTT[A>C]TTTTCATCTCTTAAAAGAGGTTTTCAGATTGCTCACCTGACTAGATCTTTCTCTCTGCAC-3'

ClinVar aggregate classification (germline): Uncertain significance (1 of 4 stars; one submission).

Conditions:
Primary ciliary dyskinesia. Also called: Ciliary dyskinesia. Identifiers: Orphanet 244, MedGen C0008780, MONDO:0016575, HP:0012265.

gnomAD v4.1: 1 of 1,609,326 alleles (0.000062%); highest among the groups gnomAD compares: Admixed American, 0.0017%; no homozygotes.

Submission:

Labcorp Genetics (formerly Invitae), Labcorp
Classification: Uncertain significance for Primary ciliary dyskinesia. Last evaluated: 2024-07-15. Review status: criteria provided, single submitter. Criteria: Invitae Variant Classification Sherloc (09022015). Collection method: clinical testing. Allele origin: germline.
Comment: This sequence change falls in intron 60 of the DNAH8 gene. It does not directly change the encoded amino acid sequence of the DNAH8 protein. This variant is present in population databases (no rsID available, gnomAD 0.003%). This variant has not been reported in the literature in individuals affected with DNAH8-related conditions. Algorithms developed to predict the effect of sequence changes on RNA splicing suggest that this variant may disrupt the consensus splice site. In summary, the available evidence is currently insufficient to determine the role of this variant in disease. Therefore, it has been classified as a Variant of Uncertain Significance.